The following is an entry in ClinVar:

NM_001323289.2(CDKL5):c.1795A>G (p.Thr599Ala)

Gene: CDKL5 (cyclin dependent kinase like 5; plus strand). Cytogenetic location: Xp22.13.
Variant type: single nucleotide variant.
Coding change: c.1795A>G on transcript NM_001323289.2 (MANE Select); coding-DNA position 1795, A replaced by G.
Protein change: p.Thr599Ala; replaces threonine 599 with alanine.
Molecular consequence: missense variant.
Genome position (GRCh38, 1-based): chrX:18,604,719, A>G. VCF-style: chrX-18604719-A-G. GRCh37 (hg19) VCF-style: chrX-18622839-A-G.
Other names: c.1795A>G, p.Thr599Ala (NM_001037343.2, NM_003159.3); short protein forms T599A.
Identifiers: ClinVar variation 419920 (VCV000419920.11), dbSNP rs761662406, ClinGen allele CA16621280.
Genomic context (GRCh38, chrX:18,604,719, plus strand): 5'-AGTAGCCATTCCCATTCACTGTCTGCACCTCACGAATCTTTTTCTTATGGACTGGGCTAC[A>G]CCAGCCCCTTTTCTTCCCAGCAACGTCCTCATAGGCATTCTATGTATGTGACCCGTGACA-3'
Protein context (NP_001310218.1, residues 589-609): HESFSYGLGY[Thr599Ala]SPFSSQQRPH

ClinVar aggregate classification (germline): Conflicting classifications of pathogenicity. Review status: criteria provided, conflicting classifications (1 of 4 stars). 2 submissions from 2 submitters: Uncertain significance (1); Likely benign (1). Last evaluated 2024-07-15.

Conditions:
Developmental and epileptic encephalopathy, 2 (DEE2). Also called: INFANTILE SPASM SYNDROME, X-LINKED 2; CDKL5 deficiency disorder. Identifiers: Orphanet 1934, Orphanet 3451, Orphanet 505652, MedGen C4750718, MONDO:0010396, OMIM 300672.
Angelman syndrome-like. Identifiers: MedGen CN128785.

Allele frequency attached by ClinVar (database versions not stated): gnomAD exomes 0.00001.
gnomAD v4.1: 8 of 1,211,512 alleles (0.00066%); highest among the groups gnomAD compares: Non-Finnish European, 0.00089%; no homozygotes.

Submissions (2):

Labcorp Genetics (formerly Invitae), Labcorp
Classification: Likely benign for Developmental and epileptic encephalopathy, 2; Angelman syndrome-like. Last evaluated: 2024-07-15. Review status: criteria provided, single submitter. Criteria: Invitae Variant Classification Sherloc (09022015). Collection method: clinical testing. Allele origin: germline.

GeneDx
Classification: Uncertain significance. Last evaluated: 2016-05-10. Review status: criteria provided, single submitter. Criteria: GeneDx Variant Classification (06012015). Collection method: clinical testing. Allele origin: germline. Affected: yes.
Comment: The T599A variant has not been published as a pathogenic variant, nor has it been reported as a benign variant to our knowledge. It was not observed in approximately 6,500 individuals of European and African American ancestry in the NHLBI Exome Sequencing Project, indicating it is not a common benign variant in these populations. The T599A variant is a non-conservative amino acid substitution, which is likely to impact secondary protein structure as these residues differ in polarity, charge, size and/or other properties. This substitution occurs at a position that is conserved across species, and in silico analysis predicts this variant is probably damaging to the protein structure/function. However, missense variants in nearby residues have not been reported in Human Gene Mutation Database in association with a CDKL5-related disorder (Stenson et al., 2014).